The following is an entry in ClinVar:

NM_000059.4(BRCA2):c.2260C>T (p.Gln754Ter)

Gene: BRCA2 (BRCA2 DNA repair associated; plus strand). Cytogenetic location: 13q13.1.
Variant type: single nucleotide variant.
Coding change: c.2260C>T on transcript NM_000059.4 (MANE Select); coding-DNA position 2260, C replaced by T.
Protein change: p.Gln754Ter; replaces glutamine 754 with a stop codon.
Molecular consequence: nonsense. On other transcripts: non-coding transcript variant (1), intron variant (2).
Genome position (GRCh38, 1-based): chr13:32,336,615, C>T. VCF-style: chr13-32336615-C-T. GRCh37 (hg19) VCF-style: chr13-32910752-C-T.
Other names: c.2260C>T, p.Gln754Ter (NM_001406719.1, NM_001406720.1); c.1909+3228C>T (NM_001406721.1); c.424+5585C>T (NM_001406722.1); short protein forms Q754*.
Identifiers: ClinVar variation 2994101 (VCV002994101.4), dbSNP rs80358496, ClinGen allele CA387771001.

ClinVar aggregate classification (germline): Pathogenic. Review status: criteria provided, multiple submitters, no conflicts (2 of 4 stars). 2 submissions from 2 submitters: Pathogenic (2). Last evaluated 2025-11-17.

Conditions:
Hereditary cancer-predisposing syndrome. Also called: Hereditary Cancer Syndrome; Hereditary neoplastic syndrome; Neoplastic Syndromes, Hereditary; Tumor predisposition. Identifiers: Orphanet 140162, MedGen C0027672, MeSH D009386, MONDO:0015356.
Hereditary breast ovarian cancer syndrome. Also called: BRCA1- and BRCA2-Associated Hereditary Breast and Ovarian Cancer; Hereditary breast and ovarian cancer syndrome; Hereditary breast and/or ovarian cancer syndrome; Hereditary breast and ovarian cancer; Hereditary breast and ovarian cancer syndrome (HBOC); Breast and ovarian cancer. Identifiers: Orphanet 145, MedGen C0677776, MeSH D061325, MONDO:0003582. Disease mechanism: loss of function.

Submissions (2):

Labcorp Genetics (formerly Invitae), Labcorp
Classification: Pathogenic for Hereditary breast ovarian cancer syndrome. Last evaluated: 2025-11-17. Review status: criteria provided, single submitter. Criteria: Invitae Variant Classification Sherloc (09022015). Collection method: clinical testing. Allele origin: germline.
Comment: This sequence change creates a premature translational stop signal (p.Gln754*) in the BRCA2 gene. It is expected to result in an absent or disrupted protein product. Loss-of-function variants in BRCA2 are known to be pathogenic (PMID: 20104584). This variant is not present in population databases (gnomAD no frequency). This variant has not been reported in the literature in individuals affected with BRCA2-related conditions. ClinVar contains an entry for this variant (Variation ID: 2994101). For these reasons, this variant has been classified as Pathogenic.

Ambry Genetics
Classification: Pathogenic for Hereditary cancer-predisposing syndrome. Last evaluated: 2025-04-30. Review status: criteria provided, single submitter. Criteria: Ambry Variant Classification Scheme 2023. Collection method: clinical testing. Allele origin: germline.
Comment: The p.Q754* pathogenic mutation (also known as c.2260C>T), located in coding exon 10 of the BRCA2 gene, results from a C to T substitution at nucleotide position 2260. This changes the amino acid from a glutamine to a stop codon within coding exon 10. This alteration is expected to result in loss of function by premature protein truncation or nonsense-mediated mRNA decay. As such, this alteration is interpreted as a disease-causing mutation.

Literature cited by the submitters: PubMed 20104584 (cited by Labcorp Genetics (formerly Invitae), Labcorp).